The following is an entry in ClinVar:

GRCh38/hg38 6q12(chr6:64549655-65570492)x1

Genes: EYS (eyes shut homolog; minus strand), ZC3H11C (zinc finger CCCH-type containing 11C; plus strand), LOC132089414 (Neanderthal introgressed variant-containing enhancer experimental_92402; plus strand), LOC132089415 (Neanderthal introgressed variant-containing enhancer experimental_92457; plus strand), LOC132089416 (Neanderthal introgressed variant-containing enhancer experimental_92499; plus strand) and 12 more. Cytogenetic location: 6q12.
Variant type: copy number loss.
Change: copy number 1 (one copy instead of two) of chr6:64,549,655-65,570,492 (1.02 Mb, GRCh38 coordinates, 1-based), cytogenetic band 6q12.
Identifiers: ClinVar variation 59626 (VCV000059626.1).

ClinVar aggregate classification (germline): Benign (1 of 4 stars; one submission).

Submission:

ISCA site 15
Classification: Benign. Last evaluated: 2011-08-12. Review status: criteria provided, single submitter. Criteria: Kaminsky et al. (Genet Med. 2011). Collection method: clinical testing. Allele origin: maternal. Affected: yes. Observed: 1 variant allele.
Comment: Copy number variation identified through the course of routine clinical cytogenomic testing in postnatal populations. Clinical assertions have been curated as described in Kaminsky et al. 2011.